The following is an entry in ClinVar:

ClinVar aggregate classification (germline): Uncertain significance. Review status: criteria provided, multiple submitters, no conflicts (2 of 4 stars). 2 submissions from 2 submitters: Uncertain significance (2). Last evaluated 2024-09-30.

Conditions:
Oligodontia-cancer predisposition syndrome. Also called: TOOTH AGENESIS-COLORECTAL CANCER SYNDROME. Identifiers: Orphanet 300576, MedGen C1837750, MONDO:0012075, OMIM 608615. Disease mechanism: loss of function.
Hereditary cancer-predisposing syndrome. Also called: Neoplastic Syndromes, Hereditary; Hereditary Cancer Syndrome; Tumor predisposition; Hereditary neoplastic syndrome. Identifiers: Orphanet 140162, MedGen C0027672, MeSH D009386, MONDO:0015356.

Submissions (2):

Labcorp Genetics (formerly Invitae), Labcorp
Classification: Uncertain significance for Oligodontia-cancer predisposition syndrome. Last evaluated: 2024-09-30. Review status: criteria provided, single submitter. Criteria: Invitae Variant Classification Sherloc (09022015). Collection method: clinical testing. Allele origin: germline.
Comment: This sequence change replaces aspartic acid, which is acidic and polar, with valine, which is neutral and non-polar, at codon 72 of the AXIN2 protein (p.Asp72Val). This variant is not present in population databases (gnomAD no frequency). This variant has not been reported in the literature in individuals affected with AXIN2-related conditions. ClinVar contains an entry for this variant (Variation ID: 946218). Invitae Evidence Modeling of protein sequence and biophysical properties (such as structural, functional, and spatial information, amino acid conservation, physicochemical variation, residue mobility, and thermodynamic stability) indicates that this missense variant is expected to disrupt AXIN2 protein function with a positive predictive value of 80%. In summary, the available evidence is currently insufficient to determine the role of this variant in disease. Therefore, it has been classified as a Variant of Uncertain Significance.

Ambry Genetics
Classification: Uncertain significance for Hereditary cancer-predisposing syndrome. Last evaluated: 2024-01-09. Review status: criteria provided, single submitter. Criteria: Ambry Variant Classification Scheme 2023. Collection method: clinical testing. Allele origin: germline.
Comment: The p.D72V variant (also known as c.215A>T), located in coding exon 1 of the AXIN2 gene, results from an A to T substitution at nucleotide position 215. The aspartic acid at codon 72 is replaced by valine, an amino acid with highly dissimilar properties. This amino acid position is well conserved in available vertebrate species. In addition, this alteration is predicted to be tolerated by in silico analysis. Since supporting evidence is limited at this time, the clinical significance of this alteration remains unclear.

NM_004655.4(AXIN2):c.215A>T (p.Asp72Val)

Gene: AXIN2 (axin 2; minus strand). Cytogenetic location: 17q24.1.
Variant type: single nucleotide variant.
Coding change: c.215A>T on transcript NM_004655.4 (MANE Select); coding-DNA position 215, A replaced by T.
Protein change: p.Asp72Val; replaces aspartic acid 72 with valine.
Molecular consequence: missense variant.
Genome position (GRCh38, 1-based): chr17:65,558,406, T>A on the plus strand (A>T on the coding strand, the complement: AXIN2 is on the minus strand). VCF-style: chr17-65558406-T-A. GRCh37 (hg19) VCF-style: chr17-63554524-T-A.
Other names: c.215A>T, p.Asp72Val (NM_001363813.1); short protein forms D72V.
Identifiers: ClinVar variation 946218 (VCV000946218.12), dbSNP rs2044307158, ClinGen allele CA400681882.